The following is an entry in ClinVar:

NM_004415.4(DSP):c.2622C>G (p.Ile874Met)

Gene: DSP (desmoplakin; plus strand). Cytogenetic location: 6p24.3.
Variant type: single nucleotide variant.
Coding change: c.2622C>G on transcript NM_004415.4 (MANE Select); coding-DNA position 2622, C replaced by G.
Protein change: p.Ile874Met; replaces isoleucine 874 with methionine.
Molecular consequence: missense variant.
Genome position (GRCh38, 1-based): chr6:7,575,480, C>G. VCF-style: chr6-7575480-C-G. GRCh37 (hg19) VCF-style: chr6-7575713-C-G.
Other names: p.I874M:ATC>ATG; c.2622C>G (LRG_423t1, NM_004415.3); c.2622C>G, p.Ile874Met (NM_001008844.3, NM_001319034.2); short protein forms I874M.
Identifiers: ClinVar variation 199872 (VCV000199872.44), dbSNP rs751067479, ClinGen allele CA005436.

ClinVar aggregate classification (germline): Conflicting classifications of pathogenicity. Review status: criteria provided, conflicting classifications (1 of 4 stars). 9 submissions from 9 submitters: Uncertain significance (8); Likely benign (1). Last evaluated 2026-03-30.

Conditions:
DSP-related disorder. Also called: DSP-related disorders; DSP-related condition.
Cardiovascular phenotype. Identifiers: MedGen CN230736.
Arrhythmogenic right ventricular dysplasia 8 (ARVD8). Also called: Arrhythmogenic Right Ventricular Dysplasia/Cardiomyopathy 8; ARRHYTHMOGENIC RIGHT VENTRICULAR DYSPLASIA, FAMILIAL, 8; ARRHYTHMOGENIC RIGHT VENTRICULAR CARDIOMYOPATHY 8. Identifiers: MedGen C1843896, MONDO:0011831, OMIM 607450.
Woolly hair-skin fragility syndrome (WHSF). Identifiers: Orphanet 293165, MedGen C1843292, MONDO:0957307, OMIM 620415.
Keratosis palmoplantaris striata 2. Also called: Keratosis palmoplantaris striata II; KERATODERMA, PALMOPLANTAR, STRIATE FORM II; STRIATE PALMOPLANTAR KERATODERMA II. Identifiers: MedGen C1852127, MONDO:0013034, OMIM 612908.
Arrhythmogenic cardiomyopathy with wooly hair and keratoderma. Also called: Dilated cardiomyopathy with woolly hair and keratoderma; Arrhythmogenic cardiomyopathy with woolly hair and keratoderma; Carvajal syndrome; PALMOPLANTAR KERATODERMA WITH LEFT VENTRICULAR CARDIOMYOPATHY AND WOOLLY HAIR. Identifiers: Orphanet 65282, MedGen C1854063, MONDO:0011581, OMIM 605676.
Lethal acantholytic epidermolysis bullosa (EBLA). Identifiers: Orphanet 158687, MedGen C1864826, MONDO:0012323, OMIM 609638.
Cardiomyopathy, dilated, with wooly hair, keratoderma, and tooth agenesis. Also called: Cardiomyopathy, dilated, with woolly hair, keratoderma, and tooth agenesis; Erythrokeratodermia-cardiomyopathy syndrome. Identifiers: Orphanet 476096, Orphanet 65282, MedGen C4014393, MONDO:0014355, OMIM 615821.
Cardiomyopathy (CMYO). Also called: Cardiomyopathies. Identifiers: Orphanet 167848, MedGen C0878544, MONDO:0004994, HP:0001638. Inheritance: Various modes of inheritance.

Allele frequency attached by ClinVar (database versions not stated): gnomAD 0.00004; TOPMed 0.00006.
gnomAD v4.1: 78 of 1,614,004 alleles (0.0048%); highest among the groups gnomAD compares: Non-Finnish European, 0.0062%; 1 homozygote.

Submissions (9):

PreventionGenetics, part of Exact Sciences
Classification: Uncertain significance for DSP-related condition. Last evaluated: 2026-03-30. Review status: criteria provided, single submitter. Criteria: ACMG Guidelines, 2015. Collection method: clinical testing. Allele origin: germline.
Comment: The DSP c.2622C>G variant is predicted to result in the amino acid substitution p.Ile874Met. This variant has been reported in an individual with dilated cardiomyopathy (Peña-Peña et al. 2021. PubMed ID: 32826072). This variant is reported in 0.0070% of alleles in individuals of European (Non-Finnish) descent in gnomAD. At this time, the clinical significance of this variant is uncertain due to the absence of conclusive functional and genetic evidence.

Color Diagnostics, LLC DBA Color Health
Classification: Uncertain significance for Cardiomyopathy. Last evaluated: 2025-11-21. Review status: criteria provided, single submitter. Criteria: ACMG Guidelines, 2015. Collection method: clinical testing. Allele origin: germline.
Comment: This missense variant replaces isoleucine with methionine at codon 874 of the DSP protein. Computational prediction suggests that this variant may not impact protein structure and function. To our knowledge, functional studies have not been reported for this variant. This variant has been reported in an individual dilated cardiomyopathy (PMID: 32826072). This variant has been identified in 78/1614004 chromosomes in the general population by the Genome Aggregation Database (gnomAD). The available evidence is insufficient to determine the role of this variant in disease conclusively. Therefore, this variant is classified as a Variant of Uncertain Significance.

Labcorp Genetics (formerly Invitae), Labcorp
Classification: Likely benign for Arrhythmogenic cardiomyopathy with wooly hair and keratoderma; Arrhythmogenic right ventricular dysplasia 8. Last evaluated: 2025-10-25. Review status: criteria provided, single submitter. Criteria: Invitae Variant Classification Sherloc (09022015). Collection method: clinical testing. Allele origin: germline.

All of Us Research Program, National Institutes of Health
Classification: Uncertain significance for Arrhythmogenic cardiomyopathy with wooly hair and keratoderma. Last evaluated: 2024-09-23. Review status: criteria provided, single submitter. Criteria: ACMG Guidelines, 2015. Collection method: clinical testing. Allele origin: germline. Inheritance: Autosomal dominant inheritance. Observed: 33 variant alleles, 33 heterozygotes.
Comment: This missense variant replaces isoleucine with methionine at codon 874 of the DSP protein. Computational prediction suggests that this variant may not impact protein structure and function (internally defined REVEL score threshold <= 0.5, PMID: 27666373). To our knowledge, functional studies have not been reported for this variant. This variant has not been reported in individuals affected with cardiovascular disorders in the literature. This variant has been identified in 12/282506 chromosomes in the general population by the Genome Aggregation Database (gnomAD). The available evidence is insufficient to determine the role of this variant in disease conclusively. Therefore, this variant is classified as a Variant of Uncertain Significance.

This study involves interpretation of variants in research participants for the purpose of population health screening. Participant phenotype was not available at the time of variant classification. Additional details can be found in publication PMID: 35346344, PMCID: PMC8962531

Blueprint Genetics
Classification: Uncertain significance. Last evaluated: 2024-08-30. Review status: criteria provided, single submitter. Criteria: ACMG Guidelines, 2015. Collection method: clinical testing. Allele origin: germline.

Ambry Genetics
Classification: Uncertain significance for Cardiovascular phenotype. Last evaluated: 2024-03-20. Review status: criteria provided, single submitter. Criteria: Ambry Variant Classification Scheme 2023. Collection method: clinical testing. Allele origin: germline.
Comment: The p.I874M variant (also known as c.2622C>G), located in coding exon 18 of the DSP gene, results from a C to G substitution at nucleotide position 2622. The isoleucine at codon 874 is replaced by methionine, an amino acid with highly similar properties. This variant has been reported in association with dilated cardiomyopathy (DCM) (Pe&ntilde;a-Pe&ntilde;a ML et al. Med Clin (Barc), 2021 May;156:485-495). This amino acid position is highly conserved in available vertebrate species. In addition, the in silico prediction for this alteration is inconclusive. Based on the available evidence, the clinical significance of this alteration remains unclear.

GeneDx
Classification: Uncertain significance. Last evaluated: 2023-05-24. Review status: criteria provided, single submitter. Criteria: GeneDx Variant Classification Process June 2021. Collection method: clinical testing. Allele origin: germline. Affected: yes.
Comment: Identified in a patient with DCM in published literature (Pena-Pena et al., 2021); In silico analysis supports that this missense variant does not alter protein structure/function; This variant is associated with the following publications: (PMID: 32826072)

Fulgent Genetics
Classification: Uncertain significance for Arrhythmogenic cardiomyopathy with wooly hair and keratoderma; Arrhythmogenic right ventricular dysplasia 8; Lethal acantholytic epidermolysis bullosa; Keratosis palmoplantaris striata 2; Cardiomyopathy, dilated, with wooly hair, keratoderma, and tooth agenesis. Last evaluated: 2021-10-28. Review status: criteria provided, single submitter. Criteria: ACMG Guidelines, 2015. Collection method: clinical testing. Allele origin: unknown.

CHEO Genetics Diagnostic Laboratory, Children's Hospital of Eastern Ontario
Classification: Uncertain significance for Cardiomyopathy. Last evaluated: 2016-12-07. Review status: criteria provided, single submitter. Criteria: ACMG Guidelines, 2015. Collection method: clinical testing. Allele origin: germline. Study: Canadian Open Genetics Repository.

Literature cited by the submitters: PubMed 32826072 (cited by Color Diagnostics, LLC DBA Color Health and Ambry Genetics).